The following is an entry in ClinVar:

ClinVar aggregate classification (germline): Conflicting classifications of pathogenicity. Review status: criteria provided, conflicting classifications (1 of 4 stars). 4 submissions from 4 submitters: Likely pathogenic (1); Uncertain significance (1). 2 of the submissions do not count toward it. Last evaluated 2024-12-27.

Conditions:
Jeune thoracic dystrophy. Also called: Jeune syndrome; Infantile thoracic dystrophy; Thoracic pelvic phalangeal dystrophy; Jeune's syndrome; Chondroectodermal dysplasia-like syndrome; Short-rib thoracic dysplasia. Identifiers: Orphanet 474, MedGen C0265275, MONDO:0018770.
Asphyxiating thoracic dystrophy 3. Also called: POLYDACTYLY WITH NEONATAL CHONDRODYSTROPHY, TYPE I; Saldino-Noonan Syndrome; Short rib polydactyly syndrome 2B; SHORT-RIB THORACIC DYSPLASIA 3/6 WITH POLYDACTYLY, DIGENIC; SHORT-RIB THORACIC DYSPLASIA 3 WITH OR WITHOUT POLYDACTYLY. Identifiers: Orphanet 474, Orphanet 93269, Orphanet 93270, Orphanet 93271, MedGen C0036069, MONDO:0013127, OMIM 613091.

Submissions (4):

Women's Health and Genetics/Laboratory Corporation of America, LabCorp
Classification: Uncertain significance. Last evaluated: 2024-12-27. Review status: criteria provided, single submitter. Criteria: LabCorp Variant Classification Summary - May 2015. Collection method: clinical testing. Allele origin: germline.
Comment: Variant summary: DYNC2H1 c.12827T>C (p.Leu4276Ser) results in a non-conservative amino acid change located in the Dynein heavy chain C-terminal domain (IPR041228) of the encoded protein sequence. Four of five in-silico tools predict a damaging effect of the variant on protein function. The variant was absent in 249216 control chromosomes. The available data on variant occurrences in the general population are insufficient to allow any conclusion about variant significance. c.12827T>C has been reported in the literature in at least one compound heterozygous individual affected with asphyxiating thoracic dystrophy (e.g. Zhang_2018). These data do not allow any conclusion about variant significance. To our knowledge, no experimental evidence demonstrating an impact on protein function has been reported. The following publication has been ascertained in the context of this evaluation (PMID: 29068549). ClinVar contains an entry for this variant (Variation ID: 446564). Based on the evidence outlined above, the variant was classified as uncertain significance.

Genomic Medicine Center of Excellence, King Faisal Specialist Hospital and Research Centre
Classification: Likely pathogenic for Asphyxiating thoracic dystrophy 3. Last evaluated: 2024-12-19. Review status: criteria provided, single submitter. Criteria: ACMG Guidelines, 2015. Collection method: clinical testing. Allele origin: germline.

Dan Cohn Lab, University Of California Los Angeles
Classification: Pathogenic for Asphyxiating thoracic dystrophy. Last evaluated: 2017-06-01. Review status: no assertion criteria provided. Collection method: research. Allele origin: unknown. Affected: yes. Not counted in ClinVar's aggregate classification.

University of Washington Center for Mendelian Genomics, University of Washington
Classification: Likely pathogenic for asphyxiating thoracic dystrophy. Review status: no assertion criteria provided. Collection method: research. Allele origin: inherited. Affected: yes. Not counted in ClinVar's aggregate classification.

Literature cited by the submitters: PubMed 29068549 (cited by 3 submitters).

NM_001377.3(DYNC2H1):c.12806T>C (p.Leu4269Ser)

Gene: DYNC2H1 (dynein cytoplasmic 2 heavy chain 1; plus strand). Cytogenetic location: 11q22.3.
Variant type: single nucleotide variant.
Coding change: c.12806T>C on transcript NM_001377.3 (MANE Select); coding-DNA position 12806, T replaced by C.
Protein change: p.Leu4269Ser; replaces leucine 4269 with serine.
Molecular consequence: missense variant.
Genome position (GRCh38, 1-based): chr11:103,479,135, T>C. VCF-style: chr11-103479135-T-C. GRCh37 (hg19) VCF-style: chr11-103349863-T-C.
Other names: c.12827T>C, p.Leu4276Ser (NM_001080463.2); short protein forms L4276S, L4269S.
Identifiers: ClinVar variation 446564 (VCV000446564.4), dbSNP rs1555143920, ClinGen allele CA382290910.
Genomic context (GRCh38, chr11:103,479,135, plus strand): 5'-ACAAGTTATTTTTTAAACAGGATGCATGTGGTCCATATTCTCCGGATGAGTGCATCTCTT[T>C]GCCTGTTTACACAAGTGCTGAAAGGGATCGTGTGGTTACCAATATTGATGTTCCATGTGG-3'
Protein context (NP_001368.2, residues 4259-4279): GPYSPDECIS[Leu4269Ser]PVYTSAERDR